The following is an entry in ClinVar:

ClinVar aggregate classification (germline): Uncertain significance (1 of 4 stars; one submission).

Conditions:
SEMA3B-related disorder. Also called: SEMA3B-related condition.

gnomAD v4.1: 1 of 1,530,930 alleles (0.000065%); highest among the groups gnomAD compares: African/African-American, 0.0014%; no homozygotes.

Submission:

PreventionGenetics, part of Exact Sciences
Classification: Uncertain significance for SEMA3B-related condition. Last evaluated: 2026-06-25. Review status: criteria provided, single submitter. Criteria: ACMG Guidelines, 2015. Collection method: clinical testing. Allele origin: germline.
Comment: The SEMA3B c.1900C>G variant is predicted to result in the amino acid substitution p.Leu634Val. To our knowledge, this variant has not been reported in the literature or in a large population database (gnomAD), indicating this variant is rare. At this time, the clinical significance of this variant is uncertain due to the absence of conclusive functional and genetic evidence.

NM_001290060.2(SEMA3B):c.1885C>G (p.Leu629Val)

Gene: SEMA3B (semaphorin 3B; plus strand). Cytogenetic location: 3p21.31.
Variant type: single nucleotide variant.
Coding change: c.1885C>G on transcript NM_001290060.2 (MANE Select); coding-DNA position 1885, C replaced by G.
Protein change: p.Leu629Val; replaces leucine 629 with valine.
Molecular consequence: missense variant. On other transcripts: non-coding transcript variant (1).
Genome position (GRCh38, 1-based): chr3:50,276,341, C>G. VCF-style: chr3-50276341-C-G. GRCh37 (hg19) VCF-style: chr3-50313772-C-G.
Other names: c.1882C>G, p.Leu628Val (NM_001005914.3, NM_001435957.1, NM_001435958.1); c.1900C>G, p.Leu634Val (NM_001290061.1); c.856C>G, p.Leu286Val (NM_001290062.2, NM_001290063.2); c.1885C>G, p.Leu629Val (NM_001435956.1, NM_004636.4); short protein forms L286V, L628V, L629V, L634V.
Identifiers: ClinVar variation 4995380 (VCV004995380.1).